The following is an entry in ClinVar:

NM_033118.4(MYLK2):c.473+231T>C

Gene: MYLK2 (myosin light chain kinase 2; plus strand). Cytogenetic location: 20q11.21.
Variant type: single nucleotide variant.
Coding change: c.473+231T>C on transcript NM_033118.4 (MANE Select); 231 bases into the intron after coding-DNA position 473, T replaced by C.
Molecular consequence: intron variant.
Genome position (GRCh38, 1-based): chr20:31,820,777, T>C. VCF-style: chr20-31820777-T-C. GRCh37 (hg19) VCF-style: chr20-30408580-T-C.
Identifiers: ClinVar variation 678521 (VCV000678521.1), dbSNP rs4911532, ClinGen allele CA14773465.

ClinVar aggregate classification (germline): Benign (1 of 4 stars; one submission).

Allele frequency attached by ClinVar (database versions not stated): 1000 Genomes Project 0.62220; 1000 Genomes Project 30x 0.63179; gnomAD 0.67157 and 0.68245; TOPMed 0.67976.

Submission:

GeneDx
Classification: Benign. Last evaluated: 2018-06-16. Review status: criteria provided, single submitter. Criteria: GeneDx Variant Classification (06012015). Collection method: clinical testing. Allele origin: germline. Affected: yes.
Comment: This variant is considered likely benign or benign based on one or more of the following criteria: it is a conservative change, it occurs at a poorly conserved position in the protein, it is predicted to be benign by multiple in silico algorithms, and/or has population frequency not consistent with disease.